The following is an entry in ClinVar:

NM_001182.5(ALDH7A1):c.442C>G (p.Gln148Glu)

Gene: ALDH7A1 (aldehyde dehydrogenase 7 family member A1; minus strand). Cytogenetic location: 5q23.2.
Variant type: single nucleotide variant.
Coding change: c.442C>G on transcript NM_001182.5 (MANE Select); coding-DNA position 442, C replaced by G.
Protein change: p.Gln148Glu; replaces glutamine 148 with glutamic acid.
Molecular consequence: missense variant.
Genome position (GRCh38, 1-based): chr5:126,582,926, G>C on the plus strand (C>G on the coding strand, the complement: ALDH7A1 is on the minus strand). VCF-style: chr5-126582926-G-C. GRCh37 (hg19) VCF-style: chr5-125918618-G-C.
Other names: c.358C>G, p.Gln120Glu (NM_001201377.2); c.442C>G, p.Gln148Glu (NM_001202404.2); short protein forms Q148E, Q120E.
Identifiers: ClinVar variation 966638 (VCV000966638.11), dbSNP rs551773096, ClinGen allele CA3389764.

ClinVar aggregate classification (germline): Conflicting classifications of pathogenicity. Review status: criteria provided, conflicting classifications (1 of 4 stars). 5 submissions from 5 submitters: Uncertain significance (4); Likely benign (1). Last evaluated 2026-06-10.

Conditions:
Pyridoxine-dependent epilepsy (EPEO4). Also called: PYRIDOXINE DEPENDENCY WITH SEIZURES; EPILEPSY, EARLY-ONSET, 4, VITAMIN B6-DEPENDENT; Pyridoxine-Dependent Seizures; Pyridoxine-Dependent Epilepsy - ALDH7A1. Identifiers: Orphanet 3006, MedGen C1849508, MONDO:0009945, OMIM 266100. Disease mechanism: loss of function.

Allele frequency attached by ClinVar (database versions not stated): 1000 Genomes Project 30x 0.00078; 1000 Genomes Project 0.00100; TOPMed below 0.00001; gnomAD 0.00003.
gnomAD v4.1: 73 of 1,613,730 alleles (0.0045%); highest among the groups gnomAD compares: South Asian, 0.076%; no homozygotes.

Submissions (5):

Centre for Medical Genetics,  Mumbai
Classification: Likely benign for Pyridoxine-dependent epilepsy. Last evaluated: 2026-06-10. Review status: criteria provided, single submitter. Criteria: ACMG Guidelines, 2015. Collection method: provider interpretation. Allele origin: germline. Inheritance: Autosomal recessive inheritance. Affected: no. Observed: 1 variant allele, 1 homozygote.
Comment: The variant satisfies PP3 criteria - for a missense or a splicing region variant, computational prediction tools unanimously support a deleterious effect on the gene. The variant satisfies PP2 criteria - missense variant in a gene with low rate of benign missense mutations and for which missense mutation is a common mechanism of a disease. However, the variant satisfies BS2 criteria - present in homozygous state in an individual that clinically does not have Epilepsy, early-onset, 4, vitamin B6-dependent.

Labcorp Genetics (formerly Invitae), Labcorp
Classification: Uncertain significance for Pyridoxine-dependent epilepsy. Last evaluated: 2024-10-22. Review status: criteria provided, single submitter. Criteria: Invitae Variant Classification Sherloc (09022015). Collection method: clinical testing. Allele origin: germline.
Comment: This sequence change replaces glutamine, which is neutral and polar, with glutamic acid, which is acidic and polar, at codon 148 of the ALDH7A1 protein (p.Gln148Glu). This variant is present in population databases (rs551773096, gnomAD 0.06%). This variant has not been reported in the literature in individuals affected with ALDH7A1-related conditions. ClinVar contains an entry for this variant (Variation ID: 966638). Invitae Evidence Modeling of protein sequence and biophysical properties (such as structural, functional, and spatial information, amino acid conservation, physicochemical variation, residue mobility, and thermodynamic stability) indicates that this missense variant is expected to disrupt ALDH7A1 protein function with a positive predictive value of 95%. In summary, the available evidence is currently insufficient to determine the role of this variant in disease. Therefore, it has been classified as a Variant of Uncertain Significance.

Blueprint Genetics
Classification: Uncertain significance. Last evaluated: 2024-06-10. Review status: criteria provided, single submitter. Criteria: ACMG Guidelines, 2015. Collection method: clinical testing. Allele origin: germline.

Genome-Nilou Lab
Classification: Uncertain significance for Pyridoxine-dependent epilepsy. Last evaluated: 2023-04-11. Review status: criteria provided, single submitter. Criteria: ACMG Guidelines, 2015. Collection method: clinical testing. Allele origin: germline. Affected: no.

Revvity Omics, Revvity
Classification: Uncertain significance for Pyridoxine-dependent epilepsy. Last evaluated: 2022-01-06. Review status: criteria provided, single submitter. Criteria: ACMG Guidelines, 2015. Collection method: clinical testing. Allele origin: germline.

Literature cited by the submitters: PubMed 16491085 (cited by Centre for Medical Genetics,  Mumbai).